The following is an entry in ClinVar:

NM_032634.4(PIGO):c.1247G>A (p.Gly416Glu)

Gene: PIGO (phosphatidylinositol glycan anchor biosynthesis class O; minus strand). Cytogenetic location: 9p13.3.
Variant type: single nucleotide variant.
Coding change: c.1247G>A on transcript NM_032634.4 (MANE Select); coding-DNA position 1247, G replaced by A.
Protein change: p.Gly416Glu; replaces glycine 416 with glutamic acid.
Molecular consequence: missense variant.
Genome position (GRCh38, 1-based): chr9:35,092,640, C>T on the plus strand (G>A on the coding strand, the complement: PIGO is on the minus strand). VCF-style: chr9-35092640-C-T. GRCh37 (hg19) VCF-style: chr9-35092637-C-T.
Other names: c.1247G>A, p.Gly416Glu (NM_001201484.2, NM_152850.4); short protein forms G416E.
Identifiers: ClinVar variation 661446 (VCV000661446.9), dbSNP rs774194698, ClinGen allele CA5040686.

ClinVar aggregate classification (germline): Uncertain significance. Review status: criteria provided, multiple submitters, no conflicts (2 of 4 stars). 2 submissions from 2 submitters: Uncertain significance (2). Last evaluated 2024-01-31.

Conditions:
Hyperphosphatasia with impaired intellectual development syndrome 2. Also called: Hyperphosphatasia with intellectual disability syndrome 2; GLYCOSYLPHOSPHATIDYLINOSITOL BIOSYNTHESIS DEFECT 6. Identifiers: Orphanet 247262, MedGen C3553637, MONDO:0013882, OMIM 614749.

Allele frequency attached by ClinVar (database versions not stated): gnomAD exomes below 0.00001; ExAC 0.00001.
gnomAD v4.1: 3 of 1,614,236 alleles (0.00019%); highest among the groups gnomAD compares: Non-Finnish European, 0.00025%; no homozygotes.

Submissions (2):

Labcorp Genetics (formerly Invitae), Labcorp
Classification: Uncertain significance for Hyperphosphatasia with impaired intellectual development syndrome 2. Last evaluated: 2024-01-31. Review status: criteria provided, single submitter. Criteria: Invitae Variant Classification Sherloc (09022015). Collection method: clinical testing. Allele origin: germline.
Comment: This sequence change replaces glycine, which is neutral and non-polar, with glutamic acid, which is acidic and polar, at codon 416 of the PIGO protein (p.Gly416Glu). This variant is present in population databases (rs774194698, gnomAD 0.0009%). This variant has not been reported in the literature in individuals affected with PIGO-related conditions. ClinVar contains an entry for this variant (Variation ID: 661446). Advanced modeling of protein sequence and biophysical properties (such as structural, functional, and spatial information, amino acid conservation, physicochemical variation, residue mobility, and thermodynamic stability) performed at Invitae indicates that this missense variant is not expected to disrupt PIGO protein function with a negative predictive value of 80%. In summary, the available evidence is currently insufficient to determine the role of this variant in disease. Therefore, it has been classified as a Variant of Uncertain Significance.

Breakthrough Genomics
Classification: Uncertain significance. Review status: criteria provided, single submitter. Criteria: ACMG Guidelines, 2015. Collection method: not provided. Allele origin: germline. Inheritance: Autosomal recessive inheritance. Affected: yes.